The following is an entry in ClinVar:

NM_002439.5(MSH3):c.1691T>C (p.Leu564Ser)

Gene: MSH3 (mutS homolog 3; plus strand). Cytogenetic location: 5q14.1.
Variant type: single nucleotide variant.
Coding change: c.1691T>C on transcript NM_002439.5 (MANE Select); coding-DNA position 1691, T replaced by C.
Protein change: p.Leu564Ser; replaces leucine 564 with serine.
Molecular consequence: missense variant.
Genome position (GRCh38, 1-based): chr5:80,744,543, T>C. VCF-style: chr5-80744543-T-C. GRCh37 (hg19) VCF-style: chr5-80040362-T-C.
Other names: c.1691T>C (NM_002439.3); short protein forms L564S.
Identifiers: ClinVar variation 1473333 (VCV001473333.9), dbSNP rs2112868881, ClinGen allele CA360274699.

ClinVar aggregate classification (germline): Uncertain significance. Review status: criteria provided, multiple submitters, no conflicts (2 of 4 stars). 2 submissions from 2 submitters: Uncertain significance (2). Last evaluated 2025-04-05.

Conditions:
Hereditary cancer-predisposing syndrome. Also called: Neoplastic Syndromes, Hereditary; Hereditary Cancer Syndrome; Tumor predisposition; Hereditary neoplastic syndrome. Identifiers: Orphanet 140162, MedGen C0027672, MeSH D009386, MONDO:0015356.

Submissions (2):

Ambry Genetics
Classification: Uncertain significance for Hereditary cancer-predisposing syndrome. Last evaluated: 2025-04-05. Review status: criteria provided, single submitter. Criteria: Ambry Variant Classification Scheme 2023. Collection method: clinical testing. Allele origin: germline.
Comment: The p.L564S variant (also known as c.1691T>C), located in coding exon 12 of the MSH3 gene, results from a T to C substitution at nucleotide position 1691. The leucine at codon 564 is replaced by serine, an amino acid with dissimilar properties. This amino acid position is conserved. In addition, this alteration is predicted to be deleterious by in silico analysis. Based on the available evidence, the clinical significance of this variant remains unclear.

Labcorp Genetics (formerly Invitae), Labcorp
Classification: Uncertain significance. Last evaluated: 2021-07-04. Review status: criteria provided, single submitter. Criteria: Invitae Variant Classification Sherloc (09022015). Collection method: clinical testing. Allele origin: germline.
Comment: In summary, the available evidence is currently insufficient to determine the role of this variant in disease. Therefore, it has been classified as a Variant of Uncertain Significance. Algorithms developed to predict the effect of missense changes on protein structure and function are either unavailable or do not agree on the potential impact of this missense change (SIFT: "Deleterious"; PolyPhen-2: "Probably Damaging"; Align-GVGD: "Class C0"). This variant has not been reported in the literature in individuals affected with MSH3-related conditions. This variant is not present in population databases (ExAC no frequency). This sequence change replaces leucine with serine at codon 564 of the MSH3 protein (p.Leu564Ser). The leucine residue is highly conserved and there is a large physicochemical difference between leucine and serine.